The following is an entry in ClinVar:

NM_000218.3(KCNQ1):c.1120C>T (p.Leu374Phe)

Gene: KCNQ1 (potassium voltage-gated channel subfamily Q member 1; plus strand). Cytogenetic location: 11p15.5.
Variant type: single nucleotide variant.
Coding change: c.1120C>T on transcript NM_000218.3 (MANE Select); coding-DNA position 1120, C replaced by T.
Protein change: p.Leu374Phe; replaces leucine 374 with phenylalanine.
Molecular consequence: missense variant.
Genome position (GRCh38, 1-based): chr11:2,585,299, C>T. VCF-style: chr11-2585299-C-T. GRCh37 (hg19) VCF-style: chr11-2606529-C-T.
Other names: NM_000218.3(KCNQ1):c.1120C>T; p.Leu374Phe; c.850C>T, p.Leu284Phe (NM_001406837.1); c.739C>T, p.Leu247Phe (NM_181798.2); short protein forms L284F, L247F, L374F.
Identifiers: ClinVar variation 2124553 (VCV002124553.5), dbSNP rs1848577355, ClinGen allele CA379133956.

ClinVar aggregate classification (germline): Uncertain significance. Review status: reviewed by expert panel (3 of 4 stars). 2 submissions from 2 submitters: Uncertain significance (1). 1 of the submissions does not count toward it. Last evaluated 2025-07-01.

Conditions:
Long QT syndrome (LQTS). Identifiers: MedGen C0023976, MeSH D008133, MONDO:0002442. Disease mechanism: loss of function. Inheritance: Various modes of inheritance.
Long QT syndrome 1 (LQT1). Identifiers: Orphanet 101016, Orphanet 768, MedGen C4551647, MONDO:0100316, OMIM 192500, MONDO:0008646.

Submissions (2):

ClinGen Potassium Channel Arrhythmia Variant Curation Expert Panel, ClinGen
Classification: Uncertain significance for Long QT syndrome 1. Last evaluated: 2025-07-01. Review status: reviewed by expert panel. Criteria: ClinGen KChannel ACMG Specifications KCNQ1 V1.0.0 2. Collection method: curation. Allele origin: germline. Inheritance: Autosomal dominant inheritance.
Comment: NM_000218.3(KCNQ1):c.1120C>T is a missense variant in KCNQ1 predicted to replace leucine with phenylalanine at position 374 (p.Leu374Phe). This variant is absent from gnomAD v4.1.0 (PM2_Supporting). This variant is rare and has been reported in at least 1 proband potentially affected with long QT syndrome 1, however, the phenotype has not been described in sufficient detail for the PP4 code and the requirement for 2 unrelated probands has not been reached, so the PS4_Supporting code is not yet met (PMID: 29688407). Another missense variant in the same codon, NM_000218.3(KCNQ1):c.1121T>A (p.Leu374His), (PMID: 15840476; PMID: 19716085) has been classified as a VUS for long QT syndrome 1 by the ClinGen Potassium Channel Arrhythmia VCEP, so PM5 cannot be met, although no benign missense variants have been identified in this codon. A missense substitution in the equivalent codon of the paralogue KCNQ2, NM_172107.4(KCNQ2):c.1016T>G (p.Leu339Arg), has been reported in ClinVar in association with benign familial neonatal seizures (Accession: SCV000041606.3). However, this KCNQ2 variant encodes a different amino acid substitution and has not yet been classified by the ClinGen KCNQ Channel Brain Disorders VCEP, so PS1_Moderate is not met. The computational predictor REVEL gives a score of 0.873, which is above the ClinGen Potassium Channel Arrhythmia VCEP PP3 threshold of >0.75 and predicts a damaging effect on KCNQ1 function (PP3). In summary, this variant meets the criterion to be classified as a variant of uncertain significance for long QT syndrome 1, as specified by the ClinGen Potassium Channel Arrhythmia VCEP; PM2_Supporting, PP3. (VCEP specifications version 1.0.0; date of approval 03/04/2025).

Labcorp Genetics (formerly Invitae), Labcorp
Classification: Likely pathogenic for Long QT syndrome. Last evaluated: 2023-03-26. Review status: criteria provided, single submitter. Criteria: Invitae Variant Classification Sherloc (09022015). Collection method: clinical testing. Allele origin: germline. Not counted in ClinVar's aggregate classification.
Comment: In summary, the currently available evidence indicates that the variant is pathogenic, but additional data are needed to prove that conclusively. Therefore, this variant has been classified as Likely Pathogenic. This variant disrupts the p.Leu374 amino acid residue in KCNQ1. Other variant(s) that disrupt this residue have been determined to be pathogenic (PMID: 31899541; Invitae). This suggests that this residue is clinically significant, and that variants that disrupt this residue are likely to be disease-causing. Advanced modeling of protein sequence and biophysical properties (such as structural, functional, and spatial information, amino acid conservation, physicochemical variation, residue mobility, and thermodynamic stability) performed at Invitae indicates that this missense variant is expected to disrupt KCNQ1 protein function. ClinVar contains an entry for this variant (Variation ID: 2124553). This variant has not been reported in the literature in individuals affected with KCNQ1-related conditions. This variant is not present in population databases (gnomAD no frequency). This sequence change replaces leucine, which is neutral and non-polar, with phenylalanine, which is neutral and non-polar, at codon 374 of the KCNQ1 protein (p.Leu374Phe).

Literature cited by the submitters: PubMed 31899541 (cited by Labcorp Genetics (formerly Invitae), Labcorp).